The following is an entry in ClinVar:

NM_003183.6(ADAM17):c.652C>A (p.Pro218Thr)

Gene: ADAM17 (ADAM metallopeptidase domain 17; minus strand). Cytogenetic location: 2p25.1.
Variant type: single nucleotide variant.
Coding change: c.652C>A on transcript NM_003183.6 (MANE Select); coding-DNA position 652, C replaced by A.
Protein change: p.Pro218Thr; replaces proline 218 with threonine.
Molecular consequence: missense variant.
Genome position (GRCh38, 1-based): chr2:9,526,212, G>T on the plus strand (C>A on the coding strand, the complement: ADAM17 is on the minus strand). VCF-style: chr2-9526212-G-T. GRCh37 (hg19) VCF-style: chr2-9666341-G-T.
Other names: c.652C>A, p.Pro218Thr (LRG_1203t1); c.652C>A (NM_003183.4); short protein forms P218T.
Identifiers: ClinVar variation 573989 (VCV000573989.9), dbSNP rs373192089, ClinGen allele CA1523704.
Genomic context (GRCh38, chr2:9,526,212, plus strand): 5'-ATCTGTAGAAGCGATGATCTGCTACCACCAATAATTTACACGTGTTCTTCATGGGATCTG[G>T]GTCAGCTCTTCTTTTCACTCGATGAACAAGCTCTAATATGAATTTGTATGCACTATTAAA-3'
Protein context (NP_003174.3, residues 208-228): LVHRVKRRAD[Pro218Thr]DPMKNTCKLL

ClinVar aggregate classification (germline): Uncertain significance. Review status: criteria provided, multiple submitters, no conflicts (2 of 4 stars). 2 submissions from 2 submitters: Uncertain significance (2). Last evaluated 2024-01-10.

Conditions:
Inborn genetic diseases. Identifiers: MedGen C0950123, MeSH D030342.
Inflammatory skin and bowel disease, neonatal, 1. Identifiers: Orphanet 294023, MedGen C3280501, MONDO:0013693, OMIM 614328.

Allele frequency attached by ClinVar (database versions not stated): ExAC 0.00001; gnomAD 0.00001; gnomAD exomes 0.00002; TOPMed 0.00003; ESP Exome Variant Server 0.00008.
gnomAD v4.1: 26 of 1,613,296 alleles (0.0016%); highest among the groups gnomAD compares: Non-Finnish European, 0.002%; no homozygotes.

Submissions (2):

Labcorp Genetics (formerly Invitae), Labcorp
Classification: Uncertain significance for Inflammatory skin and bowel disease, neonatal, 1. Last evaluated: 2024-01-10. Review status: criteria provided, single submitter. Criteria: Invitae Variant Classification Sherloc (09022015). Collection method: clinical testing. Allele origin: germline.
Comment: This sequence change replaces proline, which is neutral and non-polar, with threonine, which is neutral and polar, at codon 218 of the ADAM17 protein (p.Pro218Thr). This variant is present in population databases (rs373192089, gnomAD 0.004%). This variant has not been reported in the literature in individuals affected with ADAM17-related conditions. ClinVar contains an entry for this variant (Variation ID: 573989). An algorithm developed to predict the effect of missense changes on protein structure and function (PolyPhen-2) suggests that this variant¬†is likely to be tolerated. In summary, the available evidence is currently insufficient to determine the role of this variant in disease. Therefore, it has been classified as a Variant of Uncertain Significance.

Ambry Genetics
Classification: Uncertain significance for Inborn genetic diseases. Last evaluated: 2021-07-13. Review status: criteria provided, single submitter. Criteria: Ambry Variant Classification Scheme 2023. Collection method: clinical testing. Allele origin: germline.